The following is an entry in ClinVar:

NM_000553.4(WRN):c.-278G>C

Gene: WRN (WRN RecQ like helicase; plus strand). Cytogenetic location: 8p12.
Variant type: single nucleotide variant.
Coding change: c.-278G>C on transcript NM_000553.4; 278 bases upstream of the start codon, G replaced by C.
Genome position (GRCh38, 1-based): chr8:31,033,772, G>C. VCF-style: chr8-31033772-G-C. GRCh37 (hg19) VCF-style: chr8-30891288-G-C.
Identifiers: ClinVar variation 362786 (VCV000362786.8), dbSNP rs11574157, ClinGen allele CA10627610.

ClinVar aggregate classification (germline): Benign. Review status: criteria provided, multiple submitters, no conflicts (2 of 4 stars). 2 submissions from 2 submitters: Benign (2). Last evaluated 2018-01-13.

Conditions:
Werner syndrome (WRN). Identifiers: Orphanet 902, MedGen C0043119, MONDO:0010196, OMIM 277700.

Allele frequency attached by ClinVar (database versions not stated): 1000 Genomes Project 30x 0.03654; TOPMed 0.06122; gnomAD 0.06420 and 0.06618; 1000 Genomes Project 0.03594.

Submissions (2):

Illumina Laboratory Services, Illumina
Classification: Benign for Werner syndrome. Last evaluated: 2018-01-13. Review status: criteria provided, single submitter. Criteria: ICSL Variant Classification Criteria 13 December 2019. Collection method: clinical testing. Allele origin: germline.
Comment: This variant was observed in the ICSL laboratory as part of a predisposition screen in an ostensibly healthy population. It had not been previously curated by ICSL or reported in the Human Gene Mutation Database (HGMD: prior to June 1st, 2018), and was therefore a candidate for classification through an automated scoring system. Utilizing variant allele frequency, disease prevalence and penetrance estimates, and inheritance mode, an automated score was calculated to assess if this variant is too frequent to cause the disease. Based on the score and internal cut-off values, a variant classified as benign is not then subjected to further curation. The score for this variant resulted in a classification of benign for this disease.

Breakthrough Genomics
Classification: Benign. Review status: criteria provided, single submitter. Criteria: ACMG Guidelines, 2015. Collection method: not provided. Allele origin: germline. Inheritance: Autosomal recessive inheritance. Affected: yes.